The following is an entry in ClinVar:

ClinVar aggregate classification (germline): Likely benign. Review status: criteria provided, single submitter (1 of 4 stars). 2 submissions from 2 submitters: Likely benign (1). 1 of the submissions does not count toward it. Last evaluated 2022-04-01.

Conditions:
PTPRS-related disorder. Also called: PTPRS-related condition.

Allele frequency attached by ClinVar (database versions not stated): ESP Exome Variant Server 0.00008; gnomAD 0.00015; 1000 Genomes Project 30x 0.00016; TOPMed 0.00019; 1000 Genomes Project 0.00020.
gnomAD v4.1: 442 of 1,610,020 alleles (0.027%); highest among the groups gnomAD compares: East Asian, 0.063%; no homozygotes.

Submissions (2):

CeGaT Center for Human Genetics Tuebingen
Classification: Likely benign. Last evaluated: 2022-04-01. Review status: criteria provided, single submitter. Criteria: CeGaT Center For Human Genetics Tuebingen Variant Classification Criteria Version 2. Collection method: clinical testing. Allele origin: germline. Affected: yes. Observed: 1 variant allele.
Comment: PTPRS: BP4, BP7

PreventionGenetics, part of Exact Sciences
Classification: Likely benign for PTPRS-related condition. Last evaluated: 2019-03-06. Review status: no assertion criteria provided. Collection method: clinical testing. Allele origin: germline. Not counted in ClinVar's aggregate classification.
Comment: This variant is classified as likely benign based on ACMG/AMP sequence variant interpretation guidelines (Richards et al. 2015 PMID: 25741868, with internal and published modifications).

NM_002850.4(PTPRS):c.4773C>T (p.Ala1591=)

Gene: PTPRS (protein tyrosine phosphatase receptor type S; minus strand). Cytogenetic location: 19p13.3.
Variant type: single nucleotide variant.
Coding change: c.4773C>T on transcript NM_002850.4 (MANE Select); coding-DNA position 4773, C replaced by T.
Protein change: p.Ala1591=; no amino-acid change (alanine 1591 retained).
Molecular consequence: synonymous variant.
Genome position (GRCh38, 1-based): chr19:5,212,247, G>A on the plus strand (C>T on the coding strand, the complement: PTPRS is on the minus strand). VCF-style: chr19-5212247-G-A. GRCh37 (hg19) VCF-style: chr19-5212258-G-A.
Other names: c.4773C>T (NM_002850.3); c.4707C>T, p.Ala1569= (NM_001394011.1); c.4686C>T, p.Ala1562= (NM_001394012.1); c.4647C>T, p.Ala1549= (NM_001394013.1); c.3432C>T, p.Ala1144= (NM_130853.3); c.4659C>T, p.Ala1553= (NM_130854.3); c.3444C>T, p.Ala1148= (NM_130855.3).
Identifiers: ClinVar variation 2649110 (VCV002649110.25), dbSNP rs199955163, ClinGen allele CA9108973.